The following is an entry in ClinVar:

ClinVar aggregate classification (germline): Uncertain significance (1 of 4 stars; one submission).

Conditions:
Congenital myasthenic syndrome 5. Identifiers: Orphanet 590, MedGen C1864233, MONDO:0011281, OMIM 603034.

Submission:

Broad Center for Mendelian Genomics, Broad Institute of MIT and Harvard
Classification: Uncertain significance for Congenital myasthenic syndrome 5. Last evaluated: 2022-05-04. Review status: criteria provided, single submitter. Criteria: ACMG Guidelines, 2015. Collection method: curation. Allele origin: germline. Inheritance: Autosomal recessive inheritance.
Comment: The variant has not been previously reported in individuals with congenital myasthenic syndrome 5 and was absent from large population studies. Computational prediction tools and conservation analyses suggest that this variant may impact the protein, though this information is not predictive enough to determine pathogenicity. In summary, while there is some suspicion for a pathogenic role, the clinical significance of this variant is uncertain. ACMG/AMP Criteria applied: PM2, PM3_supporting, PP3 (Richards 2015).

NM_005677.4(COLQ):c.1319G>A (p.Cys440Tyr)

Gene: COLQ (collagen like tail subunit of asymmetric acetylcholinesterase; minus strand). Cytogenetic location: 3p25.1.
Variant type: single nucleotide variant.
Coding change: c.1319G>A on transcript NM_005677.4 (MANE Select); coding-DNA position 1319, G replaced by A.
Protein change: p.Cys440Tyr; replaces cysteine 440 with tyrosine.
Molecular consequence: missense variant.
Genome position (GRCh38, 1-based): chr3:15,451,693, C>T on the plus strand (G>A on the coding strand, the complement: COLQ is on the minus strand). VCF-style: chr3-15451693-C-T. GRCh37 (hg19) VCF-style: chr3-15493200-C-T.
Other names: NM_080539.4:c.1217G>A; c.1289G>A, p.Cys430Tyr (NM_080538.2); c.1217G>A, p.Cys406Tyr (NM_080539.4); short protein forms C406Y, C430Y, C440Y.
Identifiers: ClinVar variation 1679828 (VCV001679828.1), dbSNP rs2125077498, ClinGen allele CA351595238.